The following is an entry in ClinVar:

NM_005751.5(AKAP9):c.9308G>T (p.Gly3103Val)

Gene: AKAP9 (A-kinase anchoring protein 9; plus strand). Cytogenetic location: 7q21.2.
Variant type: single nucleotide variant.
Coding change: c.9308G>T on transcript NM_005751.5 (MANE Select); coding-DNA position 9308, G replaced by T.
Protein change: p.Gly3103Val; replaces glycine 3103 with valine.
Molecular consequence: missense variant.
Genome position (GRCh38, 1-based): chr7:92,089,479, G>T. VCF-style: chr7-92089479-G-T. GRCh37 (hg19) VCF-style: chr7-91718793-G-T.
Other names: c.3953G>T, p.Gly1318Val (NM_001379277.1); c.9284G>T, p.Gly3095Val (NM_147185.3); short protein forms G1318V, G3095V, G3103V.
Identifiers: ClinVar variation 2564479 (VCV002564479.2), dbSNP rs2535278574, ClinGen allele CA368144723.
Genomic context (GRCh38, chr7:92,089,479, plus strand): 5'-AGAAAGCAGATAGAAGGAGTTTGTTATCTGAAATTCAGGCACTGCATGCACAAATGAATG[G>T]TAGGAAAATTACTCTGAAAAGAGAACAAGAGAGTGAGAAACCAAGCCAAGGTATGTTGTA-3'
Protein context (NP_005742.4, residues 3093-3113): EIQALHAQMN[Gly3103Val]RKITLKREQE

ClinVar aggregate classification (germline): Uncertain significance (1 of 4 stars; one submission).

Conditions:
Cardiovascular phenotype. Identifiers: MedGen CN230736.

Submission:

Ambry Genetics
Classification: Uncertain significance for Cardiovascular phenotype. Last evaluated: 2023-05-04. Review status: criteria provided, single submitter. Criteria: Ambry Variant Classification Scheme 2023. Collection method: clinical testing. Allele origin: germline.
Comment: The p.G3103V variant (also known as c.9308G>T), located in coding exon 38 of the AKAP9 gene, results from a G to T substitution at nucleotide position 9308. The glycine at codon 3103 is replaced by valine, an amino acid with dissimilar properties. This amino acid position is conserved. In addition, this alteration is predicted to be tolerated by in silico analysis. Since supporting evidence is limited at this time, the clinical significance of this alteration remains unclear.